The following is an entry in ClinVar:

NM_005477.3(HCN4):c.2875C>G (p.Leu959Val)

Gene: HCN4 (hyperpolarization activated cyclic nucleotide gated potassium channel 4; minus strand). Cytogenetic location: 15q24.1.
Variant type: single nucleotide variant.
Coding change: c.2875C>G on transcript NM_005477.3 (MANE Select); coding-DNA position 2875, C replaced by G.
Protein change: p.Leu959Val; replaces leucine 959 with valine.
Molecular consequence: missense variant.
Genome position (GRCh38, 1-based): chr15:73,323,218, G>C on the plus strand (C>G on the coding strand, the complement: HCN4 is on the minus strand). VCF-style: chr15-73323218-G-C. GRCh37 (hg19) VCF-style: chr15-73615559-G-C.
Other names: short protein forms L959V.
Identifiers: ClinVar variation 391911 (VCV000391911.14), dbSNP rs1057524285, ClinGen allele CA16607867.

ClinVar aggregate classification (germline): Uncertain significance. Review status: criteria provided, multiple submitters, no conflicts (2 of 4 stars). 3 submissions from 3 submitters: Uncertain significance (3). Last evaluated 2026-01-11.

Conditions:
Cardiovascular phenotype. Identifiers: MedGen CN230736.
Brugada syndrome 8 (BRGDA8). Identifiers: Orphanet 130, MedGen C2751083, MONDO:0013148, OMIM 613123.

Allele frequency attached by ClinVar (database versions not stated): gnomAD 0.00002; TOPMed 0.00002.
gnomAD v4.1: 14 of 1,531,334 alleles (0.00091%); highest among the groups gnomAD compares: Non-Finnish European, 0.00018%; no homozygotes.

Submissions (3):

Labcorp Genetics (formerly Invitae), Labcorp
Classification: Uncertain significance for Brugada syndrome 8. Last evaluated: 2026-01-11. Review status: criteria provided, single submitter. Criteria: Invitae Variant Classification Sherloc (09022015). Collection method: clinical testing. Allele origin: germline.
Comment: This sequence change replaces leucine, which is neutral and non-polar, with valine, which is neutral and non-polar, at codon 959 of the HCN4 protein (p.Leu959Val). This variant is not present in population databases (gnomAD no frequency). This variant has not been reported in the literature in individuals affected with HCN4-related conditions. ClinVar contains an entry for this variant (Variation ID: 391911). Invitae Evidence Modeling of protein sequence and biophysical properties (such as structural, functional, and spatial information, amino acid conservation, physicochemical variation, residue mobility, and thermodynamic stability) indicates that this missense variant is not expected to disrupt HCN4 protein function with a negative predictive value of 95%. In summary, the available evidence is currently insufficient to determine the role of this variant in disease. Therefore, it has been classified as a Variant of Uncertain Significance.

Ambry Genetics
Classification: Uncertain significance for Cardiovascular phenotype. Last evaluated: 2025-11-04. Review status: criteria provided, single submitter. Criteria: Ambry Variant Classification Scheme 2023. Collection method: clinical testing. Allele origin: germline.
Comment: The p.L959V variant (also known as c.2875C>G), located in coding exon 8 of the HCN4 gene, results from a C to G substitution at nucleotide position 2875. The leucine at codon 959 is replaced by valine, an amino acid with highly similar properties. This amino acid position is not well conserved in available vertebrate species. In addition, the in silico prediction for this alteration is inconclusive. Since supporting evidence is limited at this time, the clinical significance of this alteration remains unclear.

GeneDx
Classification: Uncertain significance. Last evaluated: 2020-07-22. Review status: criteria provided, single submitter. Criteria: GeneDx Variant Classification Process June 2021. Collection method: clinical testing. Allele origin: germline. Affected: yes.
Comment: Not observed in large population cohorts (Lek et al., 2016); Has not been previously published as pathogenic or benign to our knowledge; Reported in ClinVar as a variant of uncertain significance (ClinVar Variant ID# 391911; Landrum et al., 2016)